The following is an entry in ClinVar:

ClinVar aggregate classification (germline): Benign (1 of 4 stars; one submission).

Conditions:
Colorectal cancer, susceptibility to, 12 (CRCS12). Also called: COLORECTAL CANCER, SUSCEPTIBILITY TO, ON CHROMOSOME 12q24. Identifiers: Orphanet 220460, MedGen C3554460, MONDO:0014038, OMIM 615083.

Submission:

Myriad Genetics, Inc.
Classification: Benign for Colorectal cancer, susceptibility to, 12. Last evaluated: 2025-02-10. Review status: criteria provided, single submitter. Criteria: Myriad Autosomal Dominant, Autosomal Recessive and X-Linked Classification Criteria (2023). Collection method: clinical testing. Allele origin: unknown.
Comment: This variant is considered benign. This variant is a silent/synonymous amino acid change and it is not expected to impact splicing.

NM_006231.4(POLE):c.1236G>A (p.Lys412=)

Gene: POLE (DNA polymerase epsilon, catalytic subunit; minus strand). Cytogenetic location: 12q24.33.
Variant type: single nucleotide variant.
Coding change: c.1236G>A on transcript NM_006231.4 (MANE Select); coding-DNA position 1236, G replaced by A.
Protein change: p.Lys412=; no amino-acid change (lysine 412 retained).
Molecular consequence: synonymous variant.
Genome position (GRCh38, 1-based): chr12:132,673,698, C>T on the plus strand (G>A on the coding strand, the complement: POLE is on the minus strand). VCF-style: chr12-132673698-C-T. GRCh37 (hg19) VCF-style: chr12-133250284-C-T.
Identifiers: ClinVar variation 3904252 (VCV003904252.1).